The following is an entry in ClinVar:

NM_001287.6(CLCN7):c.208G>A (p.Asp70Asn)

Gene: CLCN7 (chloride voltage-gated channel 7; minus strand). Cytogenetic location: 16p13.3.
Variant type: single nucleotide variant.
Coding change: c.208G>A on transcript NM_001287.6 (MANE Select); coding-DNA position 208, G replaced by A.
Protein change: p.Asp70Asn; replaces aspartic acid 70 with asparagine.
Molecular consequence: missense variant. On other transcripts: intron variant (1).
Genome position (GRCh38, 1-based): chr16:1,465,272, C>T on the plus strand (G>A on the coding strand, the complement: CLCN7 is on the minus strand). VCF-style: chr16-1465272-C-T. GRCh37 (hg19) VCF-style: chr16-1515273-C-T.
Other names: c.142-3598G>A (NM_001114331.3); short protein forms D70N.
Identifiers: ClinVar variation 1359822 (VCV001359822.8), dbSNP rs2142396084, ClinGen allele CA394193528.

ClinVar aggregate classification (germline): Uncertain significance (1 of 4 stars; one submission).

Submission:

Labcorp Genetics (formerly Invitae), Labcorp
Classification: Uncertain significance. Last evaluated: 2021-06-07. Review status: criteria provided, single submitter. Criteria: Invitae Variant Classification Sherloc (09022015). Collection method: clinical testing. Allele origin: germline.
Comment: This sequence change replaces aspartic acid with asparagine at codon 70 of the CLCN7 protein (p.Asp70Asn). The aspartic acid residue is moderately conserved and there is a small physicochemical difference between aspartic acid and asparagine. This variant is not present in population databases (ExAC no frequency). This variant has not been reported in the literature in individuals with CLCN7-related conditions. Advanced modeling of protein sequence and biophysical properties (such as structural, functional, and spatial information, amino acid conservation, physicochemical variation, residue mobility, and thermodynamic stability) performed at Invitae indicates that this missense variant is not expected to disrupt CLCN7 protein function. In summary, the available evidence is currently insufficient to determine the role of this variant in disease. Therefore, it has been classified as a Variant of Uncertain Significance.